The following is an entry in ClinVar:

ClinVar aggregate classification (germline): Likely benign. Review status: criteria provided, single submitter (1 of 4 stars). 2 submissions from 2 submitters: Likely benign (1). 1 of the submissions does not count toward it. Last evaluated 2024-11-30.

Conditions:
DNMT3A-related disorder. Also called: DNMT3A-related disorders; DNMT3A-related condition.
Tatton-Brown-Rahman overgrowth syndrome. Also called: Tatton-Brown-Rahman syndrome; Tall stature-intellectual disability-facial dysmorphism syndrome. Identifiers: Orphanet 404443, MedGen C4014545, MONDO:0014382, OMIM 615879.

Allele frequency attached by ClinVar (database versions not stated): TOPMed below 0.00001; gnomAD 0.00002; gnomAD exomes 0.00002; ExAC 0.00014; 1000 Genomes Project 30x 0.00031; 1000 Genomes Project 0.00040.
gnomAD v4.1: 32 of 1,551,902 alleles (0.0021%); highest among the groups gnomAD compares: South Asian, 0.032%; no homozygotes.

Submissions (2):

Labcorp Genetics (formerly Invitae), Labcorp
Classification: Likely benign for Tatton-Brown-Rahman overgrowth syndrome. Last evaluated: 2024-11-30. Review status: criteria provided, single submitter. Criteria: Invitae Variant Classification Sherloc (09022015). Collection method: clinical testing. Allele origin: germline.

PreventionGenetics, part of Exact Sciences
Classification: Likely benign for DNMT3A-related condition. Last evaluated: 2019-02-20. Review status: no assertion criteria provided. Collection method: clinical testing. Allele origin: germline. Not counted in ClinVar's aggregate classification.
Comment: This variant is classified as likely benign based on ACMG/AMP sequence variant interpretation guidelines (Richards et al. 2015 PMID: 25741868, with internal and published modifications).

NM_022552.5(DNMT3A):c.1936+8G>A

Gene: DNMT3A (DNA methyltransferase 3 alpha; minus strand). Cytogenetic location: 2p23.3.
Variant type: single nucleotide variant.
Coding change: c.1936+8G>A on transcript NM_022552.5 (MANE Select); 8 bases into the intron after coding-DNA position 1936, G replaced by A.
Molecular consequence: intron variant.
Genome position (GRCh38, 1-based): chr2:25,243,890, C>T on the plus strand (G>A on the coding strand, the complement: DNMT3A is on the minus strand). VCF-style: chr2-25243890-C-T. GRCh37 (hg19) VCF-style: chr2-25466759-C-T.
Other names: c.1936+8G>A (NM_175629.2); c.1369+8G>A (NM_153759.3); c.1480+8G>A (NM_001320893.1); c.1267+8G>A (NM_001375819.1).
Identifiers: ClinVar variation 3058123 (VCV003058123.4), dbSNP rs529573762, ClinGen allele CA1555822.